The following is an entry in ClinVar:

NM_000377.3(WAS):c.593C>G (p.Ala198Gly)

Gene: WAS (WASP actin nucleation promoting factor; plus strand). Cytogenetic location: Xp11.23.
Variant type: single nucleotide variant.
Coding change: c.593C>G on transcript NM_000377.3 (MANE Select); coding-DNA position 593, C replaced by G.
Protein change: p.Ala198Gly; replaces alanine 198 with glycine.
Molecular consequence: missense variant.
Genome position (GRCh38, 1-based): chrX:48,686,814, C>G. VCF-style: chrX-48686814-C-G. GRCh37 (hg19) VCF-style: chrX-48545203-C-G.
Other names: short protein forms A198G.
Identifiers: ClinVar variation 3762370 (VCV003762370.3).

ClinVar aggregate classification (germline): Uncertain significance. Review status: criteria provided, multiple submitters, no conflicts (2 of 4 stars). 2 submissions from 2 submitters: Uncertain significance (2). Last evaluated 2026-01-07.

Conditions:
X-linked severe congenital neutropenia (SCNX). Identifiers: Orphanet 86788, MedGen C1845987, MONDO:0010294, OMIM 300299.
Thrombocytopenia 1. Also called: X-Linked Thrombocytopenia (XLT); X-linked thrombocytopenia with normal platelets; THROMBOCYTOPENIA, X-LINKED, 1. Identifiers: Orphanet 268322, Orphanet 852, MedGen C1839163, MONDO:0010743, OMIM 313900.
Wiskott-Aldrich syndrome (WAS). Also called: ALDRICH SYNDROME; IMMUNODEFICIENCY 2; WISKOTT-ALDRICH SYNDROME 1; Wiskott-aldrich syndrome, somatic. Identifiers: Orphanet 906, MedGen C0043194, MONDO:0010518, OMIM 301000.
WAS-related disorder. Also called: WAS-Related Disorders; WAS-related condition. Identifiers: MedGen CN381538.

gnomAD v4.1: 3 of 1,211,627 alleles (0.00025%); highest among the groups gnomAD compares: South Asian, 0.0018%; no homozygotes.

Submissions (2):

PreventionGenetics, part of Exact Sciences
Classification: Uncertain significance for WAS-related condition. Last evaluated: 2026-01-07. Review status: criteria provided, single submitter. Criteria: ACMG Guidelines, 2015. Collection method: clinical testing. Allele origin: germline.
Comment: The WAS c.593C>G variant is predicted to result in the amino acid substitution p.Ala198Gly. To our knowledge, this variant has not been reported in the literature. This variant is reported in 0.0012% of alleles in individuals of European (Non-Finnish) descent in gnomAD. At this time, the clinical significance of this variant is uncertain due to the absence of conclusive functional and genetic evidence.

Labcorp Genetics (formerly Invitae), Labcorp
Classification: Uncertain significance for Wiskott-Aldrich syndrome; X-linked severe congenital neutropenia; Thrombocytopenia 1. Last evaluated: 2024-04-29. Review status: criteria provided, single submitter. Criteria: Invitae Variant Classification Sherloc (09022015). Collection method: clinical testing. Allele origin: germline.
Comment: This sequence change replaces alanine, which is neutral and non-polar, with glycine, which is neutral and non-polar, at codon 198 of the WAS protein (p.Ala198Gly). This variant is present in population databases (no rsID available, gnomAD 0.001%). This variant has not been reported in the literature in individuals affected with WAS-related conditions. Advanced modeling of protein sequence and biophysical properties (such as structural, functional, and spatial information, amino acid conservation, physicochemical variation, residue mobility, and thermodynamic stability) performed at Invitae indicates that this missense variant is not expected to disrupt WAS protein function with a negative predictive value of 95%. In summary, the available evidence is currently insufficient to determine the role of this variant in disease. Therefore, it has been classified as a Variant of Uncertain Significance.